The following is an entry in ClinVar:

ClinVar aggregate classification (germline): Uncertain significance. Review status: criteria provided, multiple submitters, no conflicts (2 of 4 stars). 3 submissions from 3 submitters: Uncertain significance (3). Last evaluated 2023-06-17.

Conditions:
Myopathy, myofibrillar, 12, infantile-onset, with cardiomyopathy. Identifiers: MedGen C5561937, MONDO:0859168, OMIM 619424.
Hypertrophic cardiomyopathy 10. Also called: MYL2-Related Familial Hypertrophic Cardiomyopathy; CARDIOMYOPATHY, HYPERTROPHIC, MID-LEFT VENTRICULAR CHAMBER TYPE, 2. Identifiers: MedGen C1834460, MONDO:0012112, OMIM 608758.
Cardiovascular phenotype. Identifiers: MedGen CN230736.

Submissions (3):

Ambry Genetics
Classification: Uncertain significance for Cardiovascular phenotype. Last evaluated: 2023-06-17. Review status: criteria provided, single submitter. Criteria: Ambry Variant Classification Scheme 2023. Collection method: clinical testing. Allele origin: germline.
Comment: The p.V17A variant (also known as c.50T>C), located in coding exon 2 of the MYL2 gene, results from a T to C substitution at nucleotide position 50. The valine at codon 17 is replaced by alanine, an amino acid with similar properties. This amino acid position is conserved. In addition, this alteration is predicted to be deleterious by in silico analysis. Since supporting evidence is limited at this time, the clinical significance of this alteration remains unclear.

Labcorp Genetics (formerly Invitae), Labcorp
Classification: Uncertain significance for Hypertrophic cardiomyopathy 10. Last evaluated: 2021-10-15. Review status: criteria provided, single submitter. Criteria: Invitae Variant Classification Sherloc (09022015). Collection method: clinical testing. Allele origin: germline.
Comment: This sequence change replaces valine with alanine at codon 17 of the MYL2 protein (p.Val17Ala). The valine residue is highly conserved and there is a small physicochemical difference between valine and alanine. In summary, the available evidence is currently insufficient to determine the role of this variant in disease. Therefore, it has been classified as a Variant of Uncertain Significance. Algorithms developed to predict the effect of missense changes on protein structure and function are either unavailable or do not agree on the potential impact of this missense change (SIFT: "Tolerated"; PolyPhen-2: "Probably Damaging"; Align-GVGD: "Class C0"). This variant has not been reported in the literature in individuals affected with MYL2-related conditions. This variant is not present in population databases (ExAC no frequency).

Fulgent Genetics
Classification: Uncertain significance for Hypertrophic cardiomyopathy 10; Myopathy, myofibrillar, 12, infantile-onset, with cardiomyopathy. Last evaluated: 2021-08-13. Review status: criteria provided, single submitter. Criteria: ACMG Guidelines, 2015. Collection method: clinical testing. Allele origin: unknown.

NM_000432.4(MYL2):c.50T>C (p.Val17Ala)

Genes: MYL2 (myosin light chain 2; minus strand), LOC114827850 (VISTA enhancer hs2149; plus strand). Cytogenetic location: 12q24.11.
Variant type: single nucleotide variant.
Coding change: c.50T>C on transcript NM_000432.4 (MANE Select); coding-DNA position 50, T replaced by C.
Protein change: p.Val17Ala; replaces valine 17 with alanine.
Molecular consequence: missense variant.
Genome position (GRCh38, 1-based): chr12:110,919,147, A>G on the plus strand (T>C on the coding strand, the complement: MYL2 is on the minus strand). VCF-style: chr12-110919147-A-G. GRCh37 (hg19) VCF-style: chr12-111356951-A-G.
Other names: short protein forms V17A.
Identifiers: ClinVar variation 1387258 (VCV001387258.9), dbSNP rs2136777356, ClinGen allele CA386700283.